The following is an entry in ClinVar:

NM_002471.4(MYH6):c.3346C>T (p.Arg1116Cys)

Gene: MYH6 (myosin heavy chain 6; minus strand). Cytogenetic location: 14q11.2.
Variant type: single nucleotide variant.
Coding change: c.3346C>T on transcript NM_002471.4 (MANE Select); coding-DNA position 3346, C replaced by T.
Protein change: p.Arg1116Cys; replaces arginine 1116 with cysteine.
Molecular consequence: missense variant.
Genome position (GRCh38, 1-based): chr14:23,390,443, G>A on the plus strand (C>T on the coding strand, the complement: MYH6 is on the minus strand). VCF-style: chr14-23390443-G-A. GRCh37 (hg19) VCF-style: chr14-23859652-G-A.
Other names: short protein forms R1116C.
Identifiers: ClinVar variation 807077 (VCV000807077.51), dbSNP rs372446459, ClinGen allele CA7115207.
Genomic context (GRCh38, chr14:23,390,443, plus strand): 5'-TCTCCACCTTAGCCCTGGCGGTGCGCTCGGCCTCCAGCTCCTCCTCCAGCTCCTCGATGC[G>A]TGCCTGGGTCAGACACAAAGGGCTCAGACCCACCGCCTGGACCCCTCCACTGGAATCCCC-3'
Protein context (NP_002462.2, residues 1106-1126): LQKKLKENQA[Arg1116Cys]IEELEEELEA

ClinVar aggregate classification (germline): Uncertain significance. Review status: criteria provided, multiple submitters, no conflicts (2 of 4 stars). 8 submissions from 8 submitters: Uncertain significance (6). 2 of the submissions do not count toward it. Last evaluated 2025-10-27.

Conditions:
Hypertrophic cardiomyopathy 14. Identifiers: MedGen C2750467, MONDO:0013197, OMIM 613251.
Dilated cardiomyopathy 1EE (CMD1EE). Identifiers: Orphanet 154, MedGen C2750466, MONDO:0013198, OMIM 613252.
Hypertrophic cardiomyopathy 1 (CMH1). Also called: MYH7-Related Familial Hypertrophic Cardiomyopathy; Familial hypertrophic cardiomyopathy 1. Identifiers: MedGen C3495498, MONDO:0008647, OMIM 192600.
Atrial septal defect 3 (ASD3). Identifiers: Orphanet 1478, MedGen C3279790, MONDO:0013567, OMIM 614089.
Sick sinus syndrome 3, susceptibility to (SSS3). Identifiers: Orphanet 166282, MedGen C3279791, MONDO:0013568, OMIM 614090.
Cardiovascular phenotype. Identifiers: MedGen CN230736.

Allele frequency attached by ClinVar (database versions not stated): ESP Exome Variant Server 0.00008.

Submissions (8):

Labcorp Genetics (formerly Invitae), Labcorp
Classification: Uncertain significance for Hypertrophic cardiomyopathy 14. Last evaluated: 2025-10-27. Review status: criteria provided, single submitter. Criteria: Invitae Variant Classification Sherloc (09022015). Collection method: clinical testing. Allele origin: germline.
Comment: This sequence change replaces arginine, which is basic and polar, with cysteine, which is neutral and slightly polar, at codon 1116 of the MYH6 protein (p.Arg1116Cys). This variant is present in population databases (rs372446459, gnomAD 0.006%). This missense change has been observed in individual(s) with dilated cardiomyopathy and/or hypertrophic cardiomyopathy (PMID: 25163546, 34087240). ClinVar contains an entry for this variant (Variation ID: 807077). Invitae Evidence Modeling of protein sequence and biophysical properties (such as structural, functional, and spatial information, amino acid conservation, physicochemical variation, residue mobility, and thermodynamic stability) indicates that this missense variant is not expected to disrupt MYH6 protein function with a negative predictive value of 80%. In summary, the available evidence is currently insufficient to determine the role of this variant in disease. Therefore, it has been classified as a Variant of Uncertain Significance.

Revvity Omics, Revvity
Classification: Uncertain significance. Last evaluated: 2025-02-05. Review status: criteria provided, single submitter. Criteria: ACMG Guidelines, 2015. Collection method: clinical testing. Allele origin: germline.

Blueprint Genetics
Classification: Uncertain significance. Last evaluated: 2024-07-06. Review status: criteria provided, single submitter. Criteria: ACMG Guidelines, 2015. Collection method: clinical testing. Allele origin: germline.

Fulgent Genetics
Classification: Uncertain significance for Hypertrophic cardiomyopathy 1; Hypertrophic cardiomyopathy 14; Dilated cardiomyopathy 1EE; Atrial septal defect 3; Sick sinus syndrome 3, susceptibility to. Last evaluated: 2022-02-02. Review status: criteria provided, single submitter. Criteria: ACMG Guidelines, 2015. Collection method: clinical testing. Allele origin: unknown.

Ambry Genetics
Classification: Uncertain significance for Cardiovascular phenotype. Last evaluated: 2021-02-03. Review status: criteria provided, single submitter. Criteria: Ambry Variant Classification Scheme 2023. Collection method: clinical testing. Allele origin: germline.
Comment: The p.R1116C variant (also known as c.3346C>T), located in coding exon 24 of the MYH6 gene, results from a C to T substitution at nucleotide position 3346. The arginine at codon 1116 is replaced by cysteine, an amino acid with highly dissimilar properties. This variant was detected in cardiomyopathy/arrhythmia and dilated cardiomyopathies (DCM) genetic testing cohorts; however, clinical details were limited, and additional cardiac variants were detected in some cases. (van Lint FHM et al. Neth Heart J, 2019 Jun;27:304-309; Haas J et al. Eur Heart J, 2015 May;36:1123-35a). This amino acid position is highly conserved in available vertebrate species. In addition, this alteration is predicted to be deleterious by in silico analysis. Since supporting evidence is limited at this time, the clinical significance of this alteration remains unclear.

CeGaT Center for Human Genetics Tuebingen
Classification: Uncertain significance. Last evaluated: 2018-03-01. Review status: criteria provided, single submitter. Criteria: CeGaT Center For Human Genetics Tuebingen Variant Classification Criteria Version 2. Collection method: clinical testing. Allele origin: germline. Affected: yes. Observed: 1 variant allele.

Clinical Genetics DNA and cytogenetics Diagnostics Lab, Erasmus MC, Erasmus Medical Center
Classification: Uncertain significance. Review status: no assertion criteria provided. Collection method: clinical testing. Allele origin: germline. Affected: yes. Study: VKGL Data-share Consensus. Not counted in ClinVar's aggregate classification.

Clinical Genetics, Academic Medical Center
Classification: Uncertain significance. Review status: no assertion criteria provided. Collection method: clinical testing. Allele origin: germline. Affected: yes. Study: VKGL Data-share Consensus. Not counted in ClinVar's aggregate classification.

Literature cited by the submitters: PubMed 25163546 (cited by Labcorp Genetics (formerly Invitae), Labcorp and Ambry Genetics); PubMed 34087240 (cited by Labcorp Genetics (formerly Invitae), Labcorp); PubMed 30847666 (cited by Ambry Genetics).